The following is an entry in ClinVar:

ClinVar aggregate classification (germline): Likely benign (0 of 4 stars; one submission).

Conditions:
FBXO7-related disorder. Also called: FBXO7-related condition.

Allele frequency attached by ClinVar (database versions not stated): gnomAD exomes 0.00017; ExAC 0.00044; 1000 Genomes Project 30x 0.00094; 1000 Genomes Project 0.00120; ESP Exome Variant Server 0.00145; gnomAD 0.00188; TOPMed 0.00205.
gnomAD v4.1: 534 of 1,610,344 alleles (0.033%); highest among the groups gnomAD compares: African/African-American, 0.66%; 3 homozygotes.

Submission:

PreventionGenetics, part of Exact Sciences
Classification: Likely benign for FBXO7-related condition. Last evaluated: 2019-06-18. Review status: no assertion criteria provided. Collection method: clinical testing. Allele origin: germline.
Comment: This variant is classified as likely benign based on ACMG/AMP sequence variant interpretation guidelines (Richards et al. 2015 PMID: 25741868, with internal and published modifications).

NM_012179.4(FBXO7):c.122+245G>A

Gene: FBXO7 (F-box protein 7; plus strand). Cytogenetic location: 22q12.3.
Variant type: single nucleotide variant.
Coding change: c.122+245G>A on transcript NM_012179.4 (MANE Select); 245 bases into the intron after coding-DNA position 122, G replaced by A.
Molecular consequence: intron variant. On other transcripts: missense variant (1), 5 prime UTR variant (1).
Genome position (GRCh38, 1-based): chr22:32,475,369, G>A. VCF-style: chr22-32475369-G-A. GRCh37 (hg19) VCF-style: chr22-32871356-G-A.
Other names: c.8G>A, p.Arg3Gln (NM_001033024.2); c.-250G>A (NM_001257990.2); short protein forms R3Q.
Identifiers: ClinVar variation 3033374 (VCV003033374.2), dbSNP rs199636063, ClinGen allele CA10201327.
Genomic context (GRCh38, chr22:32,475,369, plus strand): 5'-GTGCAGGCGACGGGAAGCGCGGGTGGTCGGCTGGGGTCCGGCTCCTGGAGAACATGGCCC[G>A]GCCTCCCGGGGGCTCTGGTCCCCTCCTCGGTGAGTCATGGCTTCTGGTTTTGCAGTAAAC-3'